The following is an entry in ClinVar:

NM_153704.6(TMEM67):c.2397T>C (p.Asp799=)

Gene: TMEM67 (transmembrane protein 67; plus strand). Cytogenetic location: 8q22.1.
Variant type: single nucleotide variant.
Coding change: c.2397T>C on transcript NM_153704.6 (MANE Select); coding-DNA position 2397, T replaced by C.
Protein change: p.Asp799=; no amino-acid change (aspartic acid 799 retained).
Molecular consequence: synonymous variant. On other transcripts: non-coding transcript variant (1).
Genome position (GRCh38, 1-based): chr8:93,804,836, T>C. VCF-style: chr8-93804836-T-C. GRCh37 (hg19) VCF-style: chr8-94817064-T-C.
Other names: p.Asp799=; c.2154T>C, p.Asp718= (NM_001142301.1).
Identifiers: ClinVar variation 126304 (VCV000126304.57), dbSNP rs117195541, ClinGen allele CA151001.
Genomic context (GRCh38, chr8:93,804,836, plus strand): 5'-GTTATCCCACAAATGTTTTGGATATTACATTCATGGTAGATCAGTACATGGGCATGCAGA[T>C]ACTAATATGGAAGAAATGAATATGAACCTTAAAAGAGAAGCGGTATGAAAATGTTTTACA-3'
Protein context (NP_714915.3, residues 789-809): IHGRSVHGHA[Asp799=]TNMEEMNMNL

ClinVar aggregate classification (germline): Benign/Likely benign. Review status: criteria provided, multiple submitters, no conflicts (2 of 4 stars). 16 submissions from 14 submitters: Benign (11); Likely benign (2). 3 of the submissions do not count toward it. Last evaluated 2026-09-01.

Conditions:
Kidney disorder. Also called: Nephropathy; Kidney disease; Kidney Diseases; renal disease; renal disorder. Identifiers: MedGen C0022658, MONDO:0005240, HP:0000112.
Joubert syndrome 6 (JBTS6). Identifiers: Orphanet 475, MedGen C1853153, MONDO:0012539, OMIM 610688.
Nephronophthisis 11 (NPHP11). Identifiers: Orphanet 84081, MedGen C3150796, MONDO:0013302, OMIM 613550.
Meckel syndrome, type 3 (MKS3). Also called: MECKEL-GRUBER SYNDROME, TYPE 3. Identifiers: Orphanet 564, MedGen C1846357, MONDO:0011821, OMIM 607361.
RHYNS syndrome. Also called: RETINITIS PIGMENTOSA SYNDROME; RETINITIS PIGMENTOSA, HYPOPITUITARISM, NEPHRONOPHTHISIS, AND MILD SKELETAL DYSPLASIA. Identifiers: Orphanet 140976, MedGen C1865794, MONDO:0011202, OMIM 602152.
COACH syndrome 1. Identifiers: Orphanet 1454, MedGen C5435651, MONDO:0800103, OMIM 216360, MONDO:0008996.
Bardet-Biedl syndrome 14 (BBS14). Identifiers: Orphanet 110, MedGen C2673874, MONDO:0014442, OMIM 615991.
Meckel-Gruber syndrome. Also called: DYSENCEPHALIA SPLANCHNOCYSTICA; GRUBER SYNDROME; Dysencephalia splachnocystica. Identifiers: Orphanet 564, MedGen C0265215, MONDO:0018921.
Joubert syndrome. Also called: Familial aplasia of the vermis; JOUBERT-BOLTSHAUSER SYNDROME. Identifiers: Orphanet 475, MedGen C5979921, MONDO:0018772.

Allele frequency attached by ClinVar (database versions not stated): 1000 Genomes Project 0.00839; 1000 Genomes Project 30x 0.00874; TOPMed 0.01163; gnomAD 0.01237 and 0.01274; ESP Exome Variant Server 0.01408; gnomAD exomes 0.01534 and 0.01691; ExAC 0.01589.
gnomAD v4.1: 26,433 of 1,604,908 alleles (1.6%); highest among the groups gnomAD compares: South Asian, 2.2%; 275 homozygotes.

Submissions (16):

CeGaT Center for Human Genetics Tuebingen
Classification: Benign. Last evaluated: 2026-09-01. Review status: criteria provided, single submitter. Criteria: CeGaT Center For Human Genetics Tuebingen Variant Classification Criteria Version 2. Collection method: clinical testing. Allele origin: germline. Affected: yes. Observed: 100 variant alleles.
Comment: TMEM67: BP4, BP7, BS1, BS2

Labcorp Genetics (formerly Invitae), Labcorp
Classification: Benign for Joubert syndrome; Meckel-Gruber syndrome. Last evaluated: 2026-02-04. Review status: criteria provided, single submitter. Criteria: Invitae Variant Classification Sherloc (09022015). Collection method: clinical testing. Allele origin: germline.

Blueprint Genetics
Classification: Benign. Last evaluated: 2024-11-22. Review status: criteria provided, single submitter. Criteria: ACMG Guidelines, 2015. Collection method: clinical testing. Allele origin: germline.

Mayo Clinic Laboratories, Mayo Clinic
Classification: Benign. Last evaluated: 2024-10-10. Review status: criteria provided, single submitter. Criteria: ACMG Guidelines, 2015. Collection method: clinical testing. Allele origin: germline. Observed: 17 variant alleles.
Comment: BS1, BS2, BP4, BP7

Genome Diagnostics Laboratory, The Hospital for Sick Children
Classification: Likely benign for Kidney disorder. Last evaluated: 2022-09-07. Review status: criteria provided, single submitter. Criteria: ACMG Guidelines, 2015. Collection method: clinical testing. Allele origin: germline.

Fulgent Genetics
Classification: Likely benign for COACH syndrome 1; RHYNS syndrome; Meckel syndrome, type 3; Joubert syndrome 6; Nephronophthisis 11; Bardet-Biedl syndrome 14. Last evaluated: 2021-10-08. Review status: criteria provided, single submitter. Criteria: ACMG Guidelines, 2015. Collection method: clinical testing. Allele origin: unknown.

Illumina Laboratory Services, Illumina
Classification: Benign for Meckel syndrome, type 3. Last evaluated: 2017-04-27. Review status: criteria provided, single submitter. Criteria: ICSL Variant Classification Criteria 13 December 2019. Collection method: clinical testing. Allele origin: germline.
Comment: This variant was observed as part of a predisposition screen in an ostensibly healthy population. A literature search was performed for the gene, cDNA change, and amino acid change (where applicable). No publications were found based on this search. Allele frequency data from public databases was too high to be consistent with this variant causing disease. Therefore, this variant is classified as benign.

Illumina Laboratory Services, Illumina
Classification: Benign for Nephronophthisis 11. Last evaluated: 2017-04-27. Review status: criteria provided, single submitter. Criteria: ICSL Variant Classification Criteria 13 December 2019. Collection method: clinical testing. Allele origin: germline.
Comment: the same text as in the submission from Illumina Laboratory Services, Illumina above.

Illumina Laboratory Services, Illumina
Classification: Benign for Joubert syndrome 6. Last evaluated: 2017-04-27. Review status: criteria provided, single submitter. Criteria: ICSL Variant Classification Criteria 13 December 2019. Collection method: clinical testing. Allele origin: germline.
Comment: the same text as in the submission from Illumina Laboratory Services, Illumina above.

GeneDx
Classification: Benign. Last evaluated: 2015-03-03. Review status: criteria provided, single submitter. Criteria: GeneDx Variant Classification Process June 2021. Collection method: clinical testing. Allele origin: germline. Affected: yes.
Comment: This variant is associated with the following publications: (PMID: 29127258)

Genetic Services Laboratory, University of Chicago
Classification: Benign for AllHighlyPenetrant. Last evaluated: 2013-05-07. Review status: criteria provided, single submitter. Criteria: ACMG Guidelines, 2007. Collection method: clinical testing. Allele origin: germline. Inheritance: Autosomal recessive inheritance. Observed: 14 variant alleles.

Breakthrough Genomics
Classification: Benign. Review status: criteria provided, single submitter. Criteria: ACMG Guidelines, 2015. Collection method: not provided. Allele origin: germline. Inheritance: Autosomal recessive inheritance. Affected: yes.

PreventionGenetics, part of Exact Sciences
Classification: Benign. Review status: criteria provided, single submitter. Criteria: ACMG Guidelines, 2015. Collection method: clinical testing. Allele origin: germline.

Clinical Genetics DNA and cytogenetics Diagnostics Lab, Erasmus MC, Erasmus Medical Center
Classification: Likely benign. Review status: no assertion criteria provided. Collection method: clinical testing. Allele origin: germline. Affected: yes. Study: VKGL Data-share Consensus. Not counted in ClinVar's aggregate classification.

Genome Diagnostics Laboratory, University Medical Center Utrecht
Classification: Benign. Review status: no assertion criteria provided. Collection method: clinical testing. Allele origin: germline. Affected: yes. Study: VKGL Data-share Consensus. Not counted in ClinVar's aggregate classification.

Tolun Lab, Human Genetics Laboratory, Bogazici University
Classification: Uncertain significance for Bardet-Biedl syndrome 14. Review status: no assertion criteria provided. Collection method: research. Allele origin: inherited. Inheritance: Autosomal recessive inheritance. Affected: yes. Observed: 6 variant alleles, 6 heterozygotes. Clinical features observed: Polydactyly, Intellectual disability, Rod-cone dystrophy, obesity. Not counted in ClinVar's aggregate classification.

Literature cited by the submitters: PubMed 29127258 (cited by Mayo Clinic Laboratories, Mayo Clinic and Tolun Lab, Human Genetics Laboratory, Bogazici University).